The following is an entry in ClinVar:

ClinVar aggregate classification (germline): Uncertain significance. Review status: criteria provided, multiple submitters, no conflicts (2 of 4 stars). 3 submissions from 3 submitters: Uncertain significance (3). Last evaluated 2024-07-03.

Conditions:
Endometrial carcinoma. Also called: Endometrial carcinoma, somatic. Identifiers: MedGen C0476089, MONDO:0002447, OMIM 608089, HP:0012114.
Hereditary cancer-predisposing syndrome. Also called: Neoplastic Syndromes, Hereditary; Tumor predisposition; Hereditary Cancer Syndrome; Hereditary neoplastic syndrome. Identifiers: Orphanet 140162, MedGen C0027672, MeSH D009386, MONDO:0015356.

Submissions (3):

Labcorp Genetics (formerly Invitae), Labcorp
Classification: Uncertain significance. Last evaluated: 2024-07-03. Review status: criteria provided, single submitter. Criteria: Invitae Variant Classification Sherloc (09022015). Collection method: clinical testing. Allele origin: germline.
Comment: This sequence change replaces histidine, which is basic and polar, with arginine, which is basic and polar, at codon 614 of the MSH3 protein (p.His614Arg). This variant is not present in population databases (gnomAD no frequency). This variant has not been reported in the literature in individuals affected with MSH3-related conditions. ClinVar contains an entry for this variant (Variation ID: 648976). An algorithm developed to predict the effect of missense changes on protein structure and function (PolyPhen-2) suggests that this variant is likely to be tolerated. In summary, the available evidence is currently insufficient to determine the role of this variant in disease. Therefore, it has been classified as a Variant of Uncertain Significance.

Ambry Genetics
Classification: Uncertain significance for Hereditary cancer-predisposing syndrome. Last evaluated: 2023-12-15. Review status: criteria provided, single submitter. Criteria: Ambry Variant Classification Scheme 2023. Collection method: clinical testing. Allele origin: germline.

Baylor Genetics
Classification: Uncertain significance for Endometrial carcinoma. Last evaluated: 2023-08-20. Review status: criteria provided, single submitter. Criteria: ACMG Guidelines, 2015. Collection method: clinical testing. Allele origin: unknown.

NM_002439.5(MSH3):c.1841A>G (p.His614Arg)

Gene: MSH3 (mutS homolog 3; plus strand). Cytogenetic location: 5q14.1.
Variant type: single nucleotide variant.
Coding change: c.1841A>G on transcript NM_002439.5 (MANE Select); coding-DNA position 1841, A replaced by G.
Protein change: p.His614Arg; replaces histidine 614 with arginine.
Molecular consequence: missense variant.
Genome position (GRCh38, 1-based): chr5:80,761,623, A>G. VCF-style: chr5-80761623-A-G. GRCh37 (hg19) VCF-style: chr5-80057442-A-G.
Other names: c.1841A>G (NM_002439.3); short protein forms H614R.
Identifiers: ClinVar variation 648976 (VCV000648976.10), dbSNP rs1580027596, ClinGen allele CA360276630.